The following is an entry in ClinVar:

NM_016343.4(CENPF):c.2823A>G (p.Leu941=)

Gene: CENPF (centromere protein F; plus strand). Cytogenetic location: 1q41.
Variant type: single nucleotide variant.
Coding change: c.2823A>G on transcript NM_016343.4 (MANE Select); coding-DNA position 2823, A replaced by G.
Protein change: p.Leu941=; no amino-acid change (leucine 941 retained).
Molecular consequence: synonymous variant.
Genome position (GRCh38, 1-based): chr1:214,641,161, A>G. VCF-style: chr1-214641161-A-G. GRCh37 (hg19) VCF-style: chr1-214814504-A-G.
Identifiers: ClinVar variation 3043590 (VCV003043590.3), dbSNP rs549879703, ClinGen allele CA1390312.

ClinVar aggregate classification (germline): Likely benign. Review status: criteria provided, single submitter (1 of 4 stars). 2 submissions from 2 submitters: Likely benign (1). 1 of the submissions does not count toward it. Last evaluated 2024-08-30.

Conditions:
CENPF-related disorder. Also called: CENPF-related condition.

Allele frequency attached by ClinVar (database versions not stated): TOPMed 0.00005; gnomAD 0.00022; gnomAD exomes 0.00039; ExAC 0.00096; 1000 Genomes Project 0.00180; 1000 Genomes Project 30x 0.00219.
gnomAD v4.1: 602 of 1,602,678 alleles (0.038%); highest among the groups gnomAD compares: South Asian, 0.64%; 8 homozygotes.

Submissions (2):

Blueprint Genetics
Classification: Likely benign. Last evaluated: 2024-08-30. Review status: criteria provided, single submitter. Criteria: ACMG Guidelines, 2015. Collection method: clinical testing. Allele origin: germline.

PreventionGenetics, part of Exact Sciences
Classification: Likely benign for CENPF-related condition. Last evaluated: 2024-08-08. Review status: no assertion criteria provided. Collection method: clinical testing. Allele origin: germline. Not counted in ClinVar's aggregate classification.
Comment: This variant is classified as likely benign based on ACMG/AMP sequence variant interpretation guidelines (Richards et al. 2015 PMID: 25741868, with internal and published modifications).